The following is an entry in ClinVar:

NM_178526.5(SLC25A42):c.665G>A (p.Arg222Gln)

Genes: SLC25A42 (solute carrier family 25 member 42; plus strand), LOC130064046 (ATAC-STARR-seq lymphoblastoid silent region 10431; plus strand). Cytogenetic location: 19p13.11.
Variant type: single nucleotide variant.
Coding change: c.665G>A on transcript NM_178526.5 (MANE Select); coding-DNA position 665, G replaced by A.
Protein change: p.Arg222Gln; replaces arginine 222 with glutamine.
Molecular consequence: missense variant.
Genome position (GRCh38, 1-based): chr19:19,110,584, G>A. VCF-style: chr19-19110584-G-A. GRCh37 (hg19) VCF-style: chr19-19221393-G-A.
Other names: c.665G>A, p.Arg222Gln (NM_001321544.2); short protein forms R222Q.
Identifiers: ClinVar variation 1977963 (VCV001977963.5), dbSNP rs1239069686, ClinGen allele CA404897397.
Genomic context (GRCh38, chr19:19,110,584, plus strand): 5'-CCCCCTCGCGGCGCCTTCACGGCCCTCCCGCCCCTCGCCCTGCAGAGTACAGCGGCCGCC[G>A]GCAGCCCTACCCCTTCGAGCGCATGATCTTCGGCGCCTGCGCTGGCCTCATCGGGCAGTC-3'
Protein context (NP_848621.2, residues 212-232): KSLHREYSGR[Arg222Gln]QPYPFERMIF

ClinVar aggregate classification (germline): Uncertain significance (1 of 4 stars; one submission).

gnomAD v4.1: 2 of 1,437,456 alleles (0.00014%); highest among the groups gnomAD compares: Non-Finnish European, 0.00018%; no homozygotes.

Submission:

Labcorp Genetics (formerly Invitae), Labcorp
Classification: Uncertain significance. Last evaluated: 2022-02-24. Review status: criteria provided, single submitter. Criteria: Invitae Variant Classification Sherloc (09022015). Collection method: clinical testing. Allele origin: germline.
Comment: In summary, the available evidence is currently insufficient to determine the role of this variant in disease. Therefore, it has been classified as a Variant of Uncertain Significance. Algorithms developed to predict the effect of missense changes on protein structure and function output the following: SIFT: "Tolerated"; PolyPhen-2: "Benign"; Align-GVGD: "Class C0". The glutamine amino acid residue is found in multiple mammalian species, which suggests that this missense change does not adversely affect protein function. This variant has not been reported in the literature in individuals affected with SLC25A42-related conditions. This variant is not present in population databases (gnomAD no frequency). This sequence change replaces arginine, which is basic and polar, with glutamine, which is neutral and polar, at codon 222 of the SLC25A42 protein (p.Arg222Gln).